The following is an entry in ClinVar:

ClinVar aggregate classification (germline): Benign/Likely benign. Review status: criteria provided, multiple submitters, no conflicts (2 of 4 stars). 6 submissions from 6 submitters: Benign (2); Likely benign (2). 2 of the submissions do not count toward it. Last evaluated 2026-01-25.

Conditions:
SEPSECS-related disorder. Also called: SEPSECS-related condition.
Pontocerebellar hypoplasia type 2D (PCH2D). Also called: Progressive cerebello-cerebral atrophy. Identifiers: Orphanet 247198, Orphanet 2524, MedGen C3151140, MONDO:0013438, OMIM 613811.

Allele frequency attached by ClinVar (database versions not stated): gnomAD 0.00026 and 0.00036; TOPMed 0.00047; ExAC 0.00092; gnomAD exomes 0.00097; 1000 Genomes Project 30x 0.00187; 1000 Genomes Project 0.00200.
gnomAD v4.1: 448 of 1,610,484 alleles (0.028%); highest among the groups gnomAD compares: East Asian, 0.82%; 1 homozygote.

Submissions (6):

Labcorp Genetics (formerly Invitae), Labcorp
Classification: Benign. Last evaluated: 2026-01-25. Review status: criteria provided, single submitter. Criteria: Invitae Variant Classification Sherloc (09022015). Collection method: clinical testing. Allele origin: germline.

Blueprint Genetics
Classification: Likely benign. Last evaluated: 2024-10-02. Review status: criteria provided, single submitter. Criteria: ACMG Guidelines, 2015. Collection method: clinical testing. Allele origin: germline.

GeneDx
Classification: Likely benign. Last evaluated: 2020-09-29. Review status: criteria provided, single submitter. Criteria: GeneDx Variant Classification Process June 2021. Collection method: clinical testing. Allele origin: germline. Affected: yes.

Illumina Laboratory Services, Illumina
Classification: Benign for Pontocerebellar hypoplasia type 2D. Last evaluated: 2018-01-12. Review status: criteria provided, single submitter. Criteria: ICSL Variant Classification Criteria 13 December 2019. Collection method: clinical testing. Allele origin: germline.
Comment: This variant was observed in the ICSL laboratory as part of a predisposition screen in an ostensibly healthy population. It had not been previously curated by ICSL or reported in the Human Gene Mutation Database (HGMD: prior to June 1st, 2018), and was therefore a candidate for classification through an automated scoring system. Utilizing variant allele frequency, disease prevalence and penetrance estimates, and inheritance mode, an automated score was calculated to assess if this variant is too frequent to cause the disease. Based on the score and internal cut-off values, a variant classified as benign is not then subjected to further curation. The score for this variant resulted in a classification of benign for this disease.

Natera, Inc.
Classification: Benign for Pontocerebellar hypoplasia type 2d. Last evaluated: 2020-09-16. Review status: no assertion criteria provided. Collection method: clinical testing. Allele origin: germline. Not counted in ClinVar's aggregate classification.

PreventionGenetics, part of Exact Sciences
Classification: Benign for SEPSECS-related condition. Last evaluated: 2019-05-16. Review status: no assertion criteria provided. Collection method: clinical testing. Allele origin: germline. Not counted in ClinVar's aggregate classification.
Comment: This variant is classified as benign based on ACMG/AMP sequence variant interpretation guidelines (Richards et al. 2015 PMID: 25741868, with internal and published modifications).

NM_016955.4(SEPSECS):c.1128A>G (p.Thr376=)

Gene: SEPSECS (Sep (O-phosphoserine) tRNA:Sec (selenocysteine) tRNA synthase; minus strand). Cytogenetic location: 4p15.2.
Variant type: single nucleotide variant.
Coding change: c.1128A>G on transcript NM_016955.4 (MANE Select); coding-DNA position 1128, A replaced by G.
Protein change: p.Thr376=; no amino-acid change (threonine 376 retained).
Molecular consequence: synonymous variant.
Genome position (GRCh38, 1-based): chr4:25,125,777, T>C on the plus strand (A>G on the coding strand, the complement: SEPSECS is on the minus strand). VCF-style: chr4-25125777-T-C. GRCh37 (hg19) VCF-style: chr4-25127399-T-C.
Identifiers: ClinVar variation 695294 (VCV000695294.21), dbSNP rs368182922, ClinGen allele CA2877220.